The following is an entry in ClinVar:

NM_173483.4(CYP4F22):c.177C>T (p.Phe59=)

Gene: CYP4F22 (cytochrome P450 family 4 subfamily F member 22; plus strand). Cytogenetic location: 19p13.12.
Variant type: single nucleotide variant.
Coding change: c.177C>T on transcript NM_173483.4 (MANE Select); coding-DNA position 177, C replaced by T.
Protein change: p.Phe59=; no amino-acid change (phenylalanine 59 retained).
Molecular consequence: synonymous variant.
Genome position (GRCh38, 1-based): chr19:15,525,513, C>T. VCF-style: chr19-15525513-C-T. GRCh37 (hg19) VCF-style: chr19-15636324-C-T.
Identifiers: ClinVar variation 719452 (VCV000719452.42), dbSNP rs118091316, ClinGen allele CA9269478.

ClinVar aggregate classification (germline): Benign/Likely benign. Review status: criteria provided, multiple submitters, no conflicts (2 of 4 stars). 4 submissions from 4 submitters: Benign (2); Likely benign (2). Last evaluated 2026-02-02.

Conditions:
Autosomal recessive congenital ichthyosis 5 (ARCI5). Also called: ICHTHYOSIS CONGENITA III; Ichthyosis, nonlamellar and nonerythrodermic, congenital, autosomal recessive. Identifiers: Orphanet 313, MedGen C1858133, MONDO:0011485, OMIM 604777.

Allele frequency attached by ClinVar (database versions not stated): 1000 Genomes Project 0.00499; 1000 Genomes Project 30x 0.00500; TOPMed 0.00601; ESP Exome Variant Server 0.00815; gnomAD 0.00841 and 0.00847.
gnomAD v4.1: 16,433 of 1,612,182 alleles (1%); highest among the groups gnomAD compares: Non-Finnish European, 1.1%; 109 homozygotes.

Submissions (4):

Labcorp Genetics (formerly Invitae), Labcorp
Classification: Benign. Last evaluated: 2026-02-02. Review status: criteria provided, single submitter. Criteria: Invitae Variant Classification Sherloc (09022015). Collection method: clinical testing. Allele origin: germline.

CeGaT Center for Human Genetics Tuebingen
Classification: Benign. Last evaluated: 2025-09-01. Review status: criteria provided, single submitter. Criteria: CeGaT Center For Human Genetics Tuebingen Variant Classification Criteria Version 2. Collection method: clinical testing. Allele origin: germline. Affected: yes. Observed: 3 variant alleles.
Comment: CYP4F22: BP4, BP7, BS1, BS2

Illumina Laboratory Services, Illumina
Classification: Likely benign for Autosomal recessive congenital ichthyosis 5. Last evaluated: 2017-04-27. Review status: criteria provided, single submitter. Criteria: ICSL Variant Classification Criteria 13 December 2019. Collection method: clinical testing. Allele origin: germline.
Comment: This variant was observed as part of a predisposition screen in an ostensibly healthy population. A literature search was performed for the gene, cDNA change, and amino acid change (where applicable). No publications were found based on this search. Allele frequency data from public databases allowed determination this variant is unlikely to cause disease. Therefore, this variant is classified as likely benign.

Breakthrough Genomics
Classification: Likely benign. Review status: criteria provided, single submitter. Criteria: ACMG Guidelines, 2015. Collection method: not provided. Allele origin: germline. Inheritance: Autosomal recessive inheritance. Affected: yes.